The following is an entry in ClinVar:

ClinVar aggregate classification (germline): Conflicting classifications of pathogenicity. Review status: criteria provided, conflicting classifications (1 of 4 stars). 3 submissions from 3 submitters: Likely pathogenic (1); Uncertain significance (1). 1 of the submissions does not count toward it. Last evaluated 2026-01-22.

Conditions:
Intellectual developmental disorder, autosomal recessive 81 (MRT81). Identifiers: MedGen C5882758, MONDO:0958204, OMIM 620700.

Allele frequency attached by ClinVar (database versions not stated): gnomAD exomes 0.00001; TOPMed below 0.00001; gnomAD 0.00001.
gnomAD v4.1: 4 of 1,614,030 alleles (0.00025%); highest among the groups gnomAD compares: Non-Finnish European, 0.00034%; no homozygotes.

Submissions (3):

3billion
Classification: Likely pathogenic for Intellectual developmental disorder, autosomal recessive 81. Last evaluated: 2026-01-22. Review status: criteria provided, single submitter. Criteria: ACMG Guidelines, 2015. Collection method: clinical testing. Allele origin: germline. Affected: yes.
Comment: The variant is observed at an extremely low frequency in the gnomAD v4.1.0 dataset (total allele frequency: <0.001%). Predicted Consequence/Location: Missense variant In silico tool predictions suggest damaging effect of the variant on gene or gene product [REVEL: 0.73 (>=0.6, sensitivity 0.68 and specificity 0.92)]. The same nucleotide change resulting in the same amino acid change has been previously reported to be associated with ASCC3-related disorder (ClinVar ID: VCV000931383 /PMID: 35047834).The variant has been reported to be in trans with a pathogenic variant as either compound heterozygous or homozygous in at least one similarly affected unrelated individual (PMID: 35047834). Therefore, this variant is classified as Likely pathogenic according to the recommendation of ACMG/AMP guideline.

Centre for Mendelian Genomics, University Medical Centre Ljubljana
Classification: Uncertain significance. Last evaluated: 2019-01-29. Review status: criteria provided, single submitter. Criteria: ACMG Guidelines, 2015. Collection method: clinical testing. Allele origin: unknown. Affected: yes.
Comment: This variant was classified as: Uncertain significance. The available evidence on this variant's pathogenicity is insufficient or conflicting. The following ACMG criteria were applied in classifying this variant: PM2,PP3.

OMIM
Classification: Pathogenic for INTELLECTUAL DEVELOPMENTAL DISORDER, AUTOSOMAL RECESSIVE 81. Last evaluated: 2024-02-02. Review status: no assertion criteria provided. Collection method: literature only. Allele origin: germline. Not counted in ClinVar's aggregate classification.

Literature cited by the submitters: PubMed 35047834 (cited by 3billion and OMIM).

NM_006828.4(ASCC3):c.5693A>G (p.His1898Arg)

Gene: ASCC3 (activating signal cointegrator 1 complex subunit 3; minus strand). Cytogenetic location: 6q16.3.
Variant type: single nucleotide variant.
Coding change: c.5693A>G on transcript NM_006828.4 (MANE Select); coding-DNA position 5693, A replaced by G.
Protein change: p.His1898Arg; replaces histidine 1898 with arginine.
Molecular consequence: missense variant.
Genome position (GRCh38, 1-based): chr6:100,540,245, T>C on the plus strand (A>G on the coding strand, the complement: ASCC3 is on the minus strand). VCF-style: chr6-100540245-T-C. GRCh37 (hg19) VCF-style: chr6-100988121-T-C.
Other names: short protein forms H1898R.
Identifiers: ClinVar variation 931383 (VCV000931383.6), dbSNP rs1381176199, ClinGen allele CA365124921.
Genomic context (GRCh38, chr6:100,540,245, plus strand): 5'-TCCAAGACTGTTTTGGTATCAGTGTCATAATCTGGGCAGGGTAGCATGGCTCGGCTGAGA[T>C]GTGCCTGTAGCAGGAGATGTGCTTTGGTGTGAGGGCTGTCAAATGAATGAGGATTTGATT-3'
Protein context (NP_006819.2, residues 1888-1908): HTKAHLLLQA[His1898Arg]LSRAMLPCPD